The following is an entry in ClinVar:

ClinVar aggregate classification (germline): Conflicting classifications of pathogenicity. Review status: criteria provided, conflicting classifications (1 of 4 stars). 2 submissions from 2 submitters: Uncertain significance (1); Likely benign (1). Last evaluated 2022-05-30.

Conditions:
Joubert syndrome. Also called: JOUBERT-BOLTSHAUSER SYNDROME; Familial aplasia of the vermis. Identifiers: Orphanet 475, MedGen C5979921, MONDO:0018772.

Allele frequency attached by ClinVar (database versions not stated): gnomAD 0.00002 and 0.00003; TOPMed 0.00002.
gnomAD v4.1: 41 of 1,609,954 alleles (0.0025%); highest among the groups gnomAD compares: South Asian, 0.024%; no homozygotes.

Submissions (2):

Labcorp Genetics (formerly Invitae), Labcorp
Classification: Uncertain significance for Joubert syndrome. Last evaluated: 2022-05-30. Review status: criteria provided, single submitter. Criteria: Invitae Variant Classification Sherloc (09022015). Collection method: clinical testing. Allele origin: germline.
Comment: This sequence change affects codon 1036 of the AHI1 mRNA. It is a 'silent' change, meaning that it does not change the encoded amino acid sequence of the AHI1 protein. It affects a nucleotide within the consensus splice site. This variant is present in population databases (rs761976492, gnomAD 0.02%). This variant has not been reported in the literature in individuals affected with AHI1-related conditions. ClinVar contains an entry for this variant (Variation ID: 835632). Algorithms developed to predict the effect of sequence changes on RNA splicing suggest that this variant is not likely to affect RNA splicing. In summary, the available evidence is currently insufficient to determine the role of this variant in disease. Therefore, it has been classified as a Variant of Uncertain Significance.

Blueprint Genetics
Classification: Likely benign. Last evaluated: 2022-05-13. Review status: criteria provided, single submitter. Criteria: ACMG Guidelines, 2015. Collection method: clinical testing. Allele origin: germline.

NM_001134831.2(AHI1):c.3108C>T (p.Thr1036=)

Gene: AHI1 (Abelson helper integration site 1; minus strand). Cytogenetic location: 6q23.3.
Variant type: single nucleotide variant.
Coding change: c.3108C>T on transcript NM_001134831.2 (MANE Select); coding-DNA position 3108, C replaced by T.
Protein change: p.Thr1036=; no amino-acid change (threonine 1036 retained).
Molecular consequence: synonymous variant.
Genome position (GRCh38, 1-based): chr6:135,394,777, G>A on the plus strand (C>T on the coding strand, the complement: AHI1 is on the minus strand). VCF-style: chr6-135394777-G-A. GRCh37 (hg19) VCF-style: chr6-135715915-G-A.
Other names: c.3108C>T, p.Thr1036= (NM_001134830.2, NM_001134832.2, NM_001350503.2 and 2 more transcripts).
Identifiers: ClinVar variation 835632 (VCV000835632.8), dbSNP rs761976492, ClinGen allele CA4012177.
Genomic context (GRCh38, chr6:135,394,777, plus strand): 5'-ATCAACACAACAAGCATCTGAACATTTAAAAGAATTGTCAAAGTAAGAAAGGGGCTCACC[G>A]GTCTGAGTGAAACCAAACTGATGTAGAATCTCTTGAGCGGTCAGCATGTTTGACTGCTTT-3'
Protein context (NP_001128303.1, residues 1026-1046): EILHQFGFTQ[Thr1036=]GIISIERKPC